The following is an entry in ClinVar:

ClinVar aggregate classification (germline): Conflicting classifications of pathogenicity. Review status: criteria provided, conflicting classifications (1 of 4 stars). 2 submissions from 2 submitters: Likely pathogenic (1); Uncertain significance (1). Last evaluated 2022-08-17.

Conditions:
Amyotrophic lateral sclerosis type 1 (ALS1). Also called: AMYOTROPHIC LATERAL SCLEROSIS 1, FAMILIAL. Identifiers: Orphanet 803, MedGen C1862939, MONDO:0007103, OMIM 105400.
Perry syndrome. Also called: PARKINSONISM WITH ALVEOLAR HYPOVENTILATION AND MENTAL DEPRESSION. Identifiers: Orphanet 178509, MedGen C1868594, MONDO:0008201, OMIM 168605.
Neuronopathy, distal hereditary motor, type 7B. Also called: Distal Hereditary Motor Neuronopathy Type 7B (dHMN7B); NEURONOPATHY, DISTAL HEREDITARY MOTOR, AUTOSOMAL DOMINANT 14; NEURONOPATHY, DISTAL HEREDITARY MOTOR, HARDING TYPE VIIB; NEUROPATHY, DISTAL HEREDITARY MOTOR, HARDING TYPE VIIB; NEUROPATHY, DISTAL HEREDITARY MOTOR, WITH VOCAL CORD PARALYSIS, HARDING TYPE VIIB; HMN VIIB. Identifiers: Orphanet 139589, MedGen C1843315, MONDO:0011879, OMIM 607641.

Allele frequency attached by ClinVar (database versions not stated): gnomAD exomes below 0.00001.
gnomAD v4.1: 2 of 1,601,332 alleles (0.00012%); highest among the groups gnomAD compares: Non-Finnish European, 0.000085%; no homozygotes.

Submissions (2):

GeneDx
Classification: Likely pathogenic. Last evaluated: 2022-08-17. Review status: criteria provided, single submitter. Criteria: GeneDx Variant Classification Process June 2021. Collection method: clinical testing. Allele origin: germline. Affected: yes.
Comment: Canonical splice site variant in a gene for which loss-of-function is not a known mechanism of disease; Not observed at significant frequency in large population cohorts (gnomAD); Has not been previously published as pathogenic or benign to our knowledge

Labcorp Genetics (formerly Invitae), Labcorp
Classification: Uncertain significance for Amyotrophic lateral sclerosis type 1; Neuronopathy, distal hereditary motor, type 7B; Perry syndrome. Last evaluated: 2022-01-29. Review status: criteria provided, single submitter. Criteria: Invitae Variant Classification Sherloc (09022015). Collection method: clinical testing. Allele origin: germline.
Comment: Algorithms developed to predict the effect of sequence changes on RNA splicing suggest that this variant may disrupt the consensus splice site. This variant has not been reported in the literature in individuals affected with DCTN1-related conditions. This variant is not present in population databases (gnomAD no frequency). This sequence change affects a donor splice site in intron 6 of the DCTN1 gene. It is expected to disrupt RNA splicing. Variants that disrupt the donor or acceptor splice site typically lead to a loss of protein function (PMID: 16199547), however the current clinical and genetic evidence is not sufficient to establish whether loss-of-function variants in DCTN1 cause disease. In summary, the available evidence is currently insufficient to determine the role of this variant in disease. Therefore, it has been classified as a Variant of Uncertain Significance.

Literature cited by the submitters: PubMed 16199547 (cited by Labcorp Genetics (formerly Invitae), Labcorp).

NM_004082.5(DCTN1):c.432+1G>T

Gene: DCTN1 (dynactin subunit 1; minus strand). Cytogenetic location: 2p13.1.
Variant type: single nucleotide variant.
Coding change: c.432+1G>T on transcript NM_004082.5 (MANE Select); the canonical splice donor site of the intron after coding-DNA position 432, G replaced by T.
Molecular consequence: splice donor variant. On other transcripts: intron variant (3).
Genome position (GRCh38, 1-based): chr2:74,374,322, C>A on the plus strand (G>T on the coding strand, the complement: DCTN1 is on the minus strand). VCF-style: chr2-74374322-C-A. GRCh37 (hg19) VCF-style: chr2-74601449-C-A.
Other names: c.343-2594G>T (NM_001190836.2); c.364-1374G>T (NM_001378992.1); c.381+1G>T (NM_001378991.1); c.394-2594G>T (NM_001135040.3); c.411+1G>T (NM_001190837.2); c.30+1G>T (NM_001135041.3, NM_023019.4).
Identifiers: ClinVar variation 1381056 (VCV001381056.7), dbSNP rs1235693710, ClinGen allele CA347370064.